The following is an entry in ClinVar:

NM_001267550.2(TTN):c.47761-9T>C

Genes: TTN (titin; minus strand), TTN-AS1 (TTN antisense RNA 1; plus strand). Cytogenetic location: 2q31.2.
Variant type: single nucleotide variant.
Coding change: c.47761-9T>C on transcript NM_001267550.2 (MANE Select); 9 bases into the intron before coding-DNA position 47761, T replaced by C.
Molecular consequence: intron variant.
Genome position (GRCh38, 1-based): chr2:178,617,243, A>G on the plus strand (T>C on the coding strand, the complement: TTN is on the minus strand). VCF-style: chr2-178617243-A-G. GRCh37 (hg19) VCF-style: chr2-179481970-A-G.
Other names: c.20566-9T>C (NM_003319.4); c.21142-9T>C (NM_133437.4); c.20941-9T>C (NM_133432.3); c.40057-9T>C (NM_133378.4); c.42838-9T>C (NM_001256850.1).
Identifiers: ClinVar variation 1979173 (VCV001979173.5), dbSNP rs2470840499, ClinGen allele CA2580065356.

ClinVar aggregate classification (germline): Likely benign. Review status: criteria provided, multiple submitters, no conflicts (2 of 4 stars). 2 submissions from 2 submitters: Likely benign (2). Last evaluated 2025-12-22.

Conditions:
Dilated cardiomyopathy 1G (CMD1G). Identifiers: Orphanet 154, MedGen C1858763, MONDO:0011400, OMIM 604145.
Autosomal recessive limb-girdle muscular dystrophy type 2J (LGMDR10). Also called: Limb-girdle muscular dystrophy, type 2J; MUSCULAR DYSTROPHY, LIMB-GIRDLE, AUTOSOMAL RECESSIVE 10. Identifiers: Orphanet 140922, MedGen C1837342, MONDO:0012127, OMIM 608807.
TTN-related disorder. Also called: TTN-related disorders; TTN-related condition; TTN-related disease.

Submissions (2):

PreventionGenetics, part of Exact Sciences
Classification: Likely benign for TTN-related condition. Last evaluated: 2025-12-22. Review status: criteria provided, single submitter. Criteria: ACMG Guidelines, 2015. Collection method: clinical testing. Allele origin: germline.
Comment: This variant is classified as likely benign based on ACMG/AMP sequence variant interpretation guidelines (Richards et al. 2015 PMID: 25741868, with internal and published modifications).

Labcorp Genetics (formerly Invitae), Labcorp
Classification: Likely benign for Dilated cardiomyopathy 1G; Autosomal recessive limb-girdle muscular dystrophy type 2J. Last evaluated: 2022-03-25. Review status: criteria provided, single submitter. Criteria: Invitae Variant Classification Sherloc (09022015). Collection method: clinical testing. Allele origin: germline.